The following is an entry in ClinVar:

NM_000132.4(F8):c.3342G>A (p.Ser1114=)

Gene: F8 (coagulation factor VIII; minus strand). Cytogenetic location: Xq28.
Variant type: single nucleotide variant.
Coding change: c.3342G>A on transcript NM_000132.4 (MANE Select); coding-DNA position 3342, G replaced by A.
Protein change: p.Ser1114=; no amino-acid change (serine 1114 retained).
Molecular consequence: synonymous variant.
Genome position (GRCh38, 1-based): chrX:154,930,448, C>T on the plus strand (G>A on the coding strand, the complement: F8 is on the minus strand). VCF-style: chrX-154930448-C-T. GRCh37 (hg19) VCF-style: chrX-154158723-C-T.
Identifiers: ClinVar variation 3047649 (VCV003047649.2), dbSNP rs200593763, ClinGen allele CA10568224.

ClinVar aggregate classification (germline): Likely benign (0 of 4 stars; one submission).

Conditions:
F8-related disorder. Also called: F8-related condition.

Allele frequency attached by ClinVar (database versions not stated): ExAC 0.00008; ESP Exome Variant Server 0.00009; gnomAD 0.00011; TOPMed 0.00014; gnomAD exomes 0.00028.
gnomAD v4.1: 326 of 1,209,629 alleles (0.027%); highest among the groups gnomAD compares: Non-Finnish European, 0.034%; no homozygotes.

Submission:

PreventionGenetics, part of Exact Sciences
Classification: Likely benign for F8-related condition. Last evaluated: 2019-03-20. Review status: no assertion criteria provided. Collection method: clinical testing. Allele origin: germline.
Comment: This variant is classified as likely benign based on ACMG/AMP sequence variant interpretation guidelines (Richards et al. 2015 PMID: 25741868, with internal and published modifications).